The following is an entry in ClinVar:

NM_006883.2(SHOX):c.-645_-644insGTT

Gene: SHOX (SHOX homeobox; plus strand). Cytogenetic location: Xp22.33.
Variant type: Insertion.
Coding change: c.-645_-644insGTT on transcript NM_006883.2; 645 bases upstream of the start codon through 644 bases upstream of the start codon, GTT inserted.
Molecular consequence: 5 prime UTR variant.
Genome position: GRCh38 VCF-style: chrX-624388-T-TTTG. GRCh37 (hg19) VCF-style: chrX-585123-T-TTTG.
Other names: c.-646_-645insTGT (NM_000451.3).
Identifiers: ClinVar variation 191363 (VCV000191363.4), dbSNP rs1556450972, ClinGen allele CA213118.
Genomic context (GRCh38, chrX:624,388, plus strand): 5'-CGAGTCACCCTGCGGCCGCCTGCTTTTGCCCGGGTCCTGAGAACAGGGGCTCCCCACACT[T>TTTG]TTTTTTTTTTTGGTTTTGTTTTATTTCGTTTCCGCGCGTCTCTTTCTACTGCAAACAGAA-3'

ClinVar aggregate classification (germline): Pathogenic (0 of 4 stars; one submission).

Conditions:
SHOX-related short stature. Also called: SHORT STATURE, IDIOPATHIC, X-LINKED. Identifiers: Orphanet 314795, MedGen C1845118, MONDO:0010367, OMIM 300582. Disease mechanism: loss of function.

Submission:

Genetics Research Lab, Taif University
Classification: Pathogenic for Short stature, idiopathic, X-linked. Review status: no assertion criteria provided. Collection method: not provided. Allele origin: unknown.
Comment: Insertion mutation in non-coding exon-1 of SHOX gene in Idiopathic short stature children patients in taif governorate, Saudi Arabia
ClinVar note: Converted during submission from pathogenic to Pathogenic.